The following is an entry in ClinVar:

ClinVar aggregate classification (germline): Likely pathogenic (1 of 4 stars; one submission).

Conditions:
Hereditary spherocytosis type 1. Also called: Spherocytosis type 1; ANK1-Related Spherocytosis. Identifiers: Orphanet 822, MedGen C2674218, MONDO:0008447, OMIM 182900.

Submission:

3billion
Classification: Likely pathogenic for Hereditary spherocytosis type 1. Last evaluated: 2022-09-01. Review status: criteria provided, single submitter. Criteria: ACMG Guidelines, 2015. Collection method: clinical testing. Allele origin: germline. Affected: yes. Observed: 1 heterozygote.
Comment: The variant is not observed in the gnomAD v2.1.1 dataset. Frameshift variant is predicted to result in a loss or disruption of normal protein function through nonsense-mediated decay (NMD) or protein truncation. Multiple pathogenic variants are reported downstream of the variant. Therefore, this variant is classified as Likely pathogenic according to the recommendation of ACMG/AMP guideline.

NM_000037.4(ANK1):c.181del (p.Val61fs)

Gene: ANK1 (ankyrin 1; minus strand). Cytogenetic location: 8p11.21.
Variant type: Deletion.
Coding change: c.181del on transcript NM_000037.4 (MANE Select); coding-DNA position 181, one base deleted (G; older notation c.181delG).
Protein change: p.Val61fs; shifts the reading frame from valine 61.
Molecular consequence: frameshift variant.
Genome position (GRCh38, 1-based): chr8:41,734,018, C deleted on the plus strand (G on the coding strand, the reverse complement: ANK1 is on the minus strand); the first of 2 consecutive C bases (chr8:41,734,018-41,734,019); deleting either gives the same sequence. VCF-style (leftmost placement, unchanged base first): chr8-41734017-AC-A. GRCh37 (hg19) VCF-style: chr8-41591535-AC-A.
Other names: c.280del, p.Val94fs (NM_001142446.2); c.181del, p.Val61fs (NM_020475.3, NM_020476.3, NM_020477.3); short protein forms V61fs, V94fs.
Identifiers: ClinVar variation 1705653 (VCV001705653.1), dbSNP rs2487036236, ClinGen allele CA2580078462.